The following is an entry in ClinVar:

ClinVar aggregate classification (germline): Uncertain significance (1 of 4 stars; one submission).

Conditions:
Familial sleep-related hypermotor epilepsy. Also called: Autosomal Dominant Sleep-Related Hypermotor (Hyperkinetic) Epilepsy. Identifiers: Orphanet 98784, MedGen C3696898, MONDO:0000030.

Submission:

Labcorp Genetics (formerly Invitae), Labcorp
Classification: Uncertain significance. Last evaluated: 2025-10-06. Review status: criteria provided, single submitter. Criteria: Invitae Variant Classification Sherloc (09022015). Collection method: clinical testing. Allele origin: germline.
Comment: This variant, c.1237_1242del, results in the deletion of 2 amino acid(s) of the CHRNA4 protein (p.Asp413_Val414del), but otherwise preserves the integrity of the reading frame. This variant is not present in population databases (gnomAD no frequency). This variant has not been reported in the literature in individuals affected with CHRNA4-related conditions. This variant has been observed in at least one individual who was not affected with CHRNA4-related conditions (internal data). Experimental studies and prediction algorithms are not available or were not evaluated, and the functional significance of this variant is currently unknown. In summary, the available evidence is currently insufficient to determine the role of this variant in disease. Therefore, it has been classified as a Variant of Uncertain Significance.

NM_000744.7(CHRNA4):c.1237_1242del (p.Asp413_Val414del)

Gene: CHRNA4 (cholinergic receptor nicotinic alpha 4 subunit; minus strand). Cytogenetic location: 20q13.33.
Variant type: Deletion.
Coding change: c.1237_1242del on transcript NM_000744.7 (MANE Select); coding-DNA positions 1237 to 1242, 6 bases deleted (GATGTG; older notation c.1237_1242delGATGTG).
Protein change: p.Asp413_Val414del.
Molecular consequence: inframe deletion. On other transcripts: non-coding transcript variant (1).
Genome position (GRCh38, 1-based): chr20:63,350,169-63,350,174, CACATC deleted on the plus strand (GATGTG on the coding strand, the reverse complement: CHRNA4 is on the minus strand); deleting any 6 consecutive bases within chr20:63,350,169-63,350,176 gives the same sequence; the c. name uses the placement nearest the transcript's 3' end. VCF-style (leftmost placement, unchanged base first): chr20-63350168-GCACATC-G. GRCh37 (hg19) VCF-style: chr20-61981520-GCACATC-G.
Other names: c.709_714del, p.Asp237_Val238del (NM_001256573.2).
Identifiers: ClinVar variation 4737437 (VCV004737437.1).